The following is an entry in ClinVar:

NM_203446.3(SYNJ1):c.3589-3T>A

Gene: SYNJ1 (synaptojanin 1; minus strand). Cytogenetic location: 21q22.11.
Variant type: single nucleotide variant.
Coding change: c.3589-3T>A on transcript NM_203446.3 (MANE Select); 3 bases into the intron before coding-DNA position 3589, T replaced by A.
Molecular consequence: intron variant.
Genome position (GRCh38, 1-based): chr21:32,639,782, A>T on the plus strand (T>A on the coding strand, the complement: SYNJ1 is on the minus strand). VCF-style: chr21-32639782-A-T. GRCh37 (hg19) VCF-style: chr21-34012092-A-T.
Other names: c.3706-3T>A (NM_003895.4); c.3541-3T>A (NM_001160302.2); c.3448-3T>A (NM_001160306.2).
Identifiers: ClinVar variation 2198038 (VCV002198038.4), dbSNP rs757413130, ClinGen allele CA10003315.
Genomic context (GRCh38, chr21:32,639,782, plus strand): 5'-CAGATGCCCGCGCGTGGCTCTGTGGGGCACTGATAACTCCAGCACGAGGAGGAATCGTCT[A>T]CAGATAGGAAACATAACACTTGAGACATTTACTTACCTTCCACAGGTAAAATTCTGTGAA-3'

ClinVar aggregate classification (germline): Uncertain significance (1 of 4 stars; one submission).

Conditions:
Developmental and epileptic encephalopathy, 53. Also called: Epileptic encephalopathy, early infantile, 53. Identifiers: MedGen C4479313, MONDO:0033362, OMIM 617389.
Early-onset Parkinson disease 20. Also called: PARKINSON DISEASE 20, AUTOSOMAL RECESSIVE EARLY-ONSET. Identifiers: Orphanet 391411, MedGen C3809824, MONDO:0014233, OMIM 615530.

Allele frequency attached by ClinVar (database versions not stated): gnomAD exomes below 0.00001; TOPMed 0.00001; ExAC 0.00003.
gnomAD v4.1: 4 of 1,612,432 alleles (0.00025%); highest among the groups gnomAD compares: East Asian, 0.0089%; no homozygotes.

Submission:

Labcorp Genetics (formerly Invitae), Labcorp
Classification: Uncertain significance for Developmental and epileptic encephalopathy, 53; Early-onset Parkinson disease 20. Last evaluated: 2022-05-22. Review status: criteria provided, single submitter. Criteria: Invitae Variant Classification Sherloc (09022015). Collection method: clinical testing. Allele origin: germline.
Comment: In summary, the available evidence is currently insufficient to determine the role of this variant in disease. Therefore, it has been classified as a Variant of Uncertain Significance. Variants that disrupt the consensus splice site are a relatively common cause of aberrant splicing (PMID: 17576681, 9536098). Algorithms developed to predict the effect of sequence changes on RNA splicing suggest that this variant may disrupt the consensus splice site. This variant has not been reported in the literature in individuals affected with SYNJ1-related conditions. This variant is present in population databases (rs757413130, gnomAD 0.02%). This sequence change falls in intron 29 of the SYNJ1 gene. It does not directly change the encoded amino acid sequence of the SYNJ1 protein. It affects a nucleotide within the consensus splice site.

Literature cited by the submitters: PubMed 17576681; PubMed 9536098.